The following is an entry in ClinVar:

ClinVar aggregate classification (germline): Pathogenic (1 of 4 stars; one submission).

Submission:

GeneDx
Classification: Pathogenic. Last evaluated: 2023-03-13. Review status: criteria provided, single submitter. Criteria: GeneDx Variant Classification Process June 2021. Collection method: clinical testing. Allele origin: germline. Affected: yes.
Comment: Not observed at significant frequency in large population cohorts (gnomAD); In silico analysis supports that this missense variant has a deleterious effect on protein structure/function; This variant is associated with the following publications: (PMID: 33060286)

NM_001003800.2(BICD2):c.2113G>A (p.Glu705Lys)

Gene: BICD2 (BICD cargo adaptor 2; minus strand). Cytogenetic location: 9q22.31.
Variant type: single nucleotide variant.
Coding change: c.2113G>A on transcript NM_001003800.2 (MANE Select); coding-DNA position 2113, G replaced by A.
Protein change: p.Glu705Lys; replaces glutamic acid 705 with lysine.
Molecular consequence: missense variant.
Genome position (GRCh38, 1-based): chr9:92,717,942, C>T on the plus strand (G>A on the coding strand, the complement: BICD2 is on the minus strand). VCF-style: chr9-92717942-C-T. GRCh37 (hg19) VCF-style: chr9-95480224-C-T.
Other names: c.2113G>A, p.Glu705Lys (NM_015250.4); short protein forms E705K.
Identifiers: ClinVar variation 2579842 (VCV002579842.1), dbSNP rs2490440555, ClinGen allele CA374033280.